The following is an entry in ClinVar:

NM_139318.5(KCNH5):c.880G>A (p.Val294Met)

Gene: KCNH5 (potassium voltage-gated channel subfamily H member 5; minus strand). Cytogenetic location: 14q23.2.
Variant type: single nucleotide variant.
Coding change: c.880G>A on transcript NM_139318.5 (MANE Select); coding-DNA position 880, G replaced by A.
Protein change: p.Val294Met; replaces valine 294 with methionine.
Molecular consequence: missense variant.
Genome position (GRCh38, 1-based): chr14:62,980,934, C>T on the plus strand (G>A on the coding strand, the complement: KCNH5 is on the minus strand). VCF-style: chr14-62980934-C-T. GRCh37 (hg19) VCF-style: chr14-63447652-C-T.
Other names: c.880G>A (NM_139318.3); c.880G>A, p.Val294Met (NM_172375.3); short protein forms V294M.
Identifiers: ClinVar variation 1492511 (VCV001492511.10), dbSNP rs376026108, ClinGen allele CA7217583.
Genomic context (GRCh38, chr14:62,980,934, plus strand): 5'-CATCCACATTTTCAAAGGCATTGATGATGTCATAAGGTAAACAAGACAGCAGATCGATCA[C>T]AAACCAAGTTTTCAGATAGTTCATCCTTATGAGCTTAGGGTCAGAAATGACCTCTCCACC-3'
Protein context (NP_647479.2, residues 284-304): IRMNYLKTWF[Val294Met]IDLLSCLPYD

ClinVar aggregate classification (germline): Uncertain significance. Review status: criteria provided, multiple submitters, no conflicts (2 of 4 stars). 2 submissions from 2 submitters: Uncertain significance (2). Last evaluated 2023-02-06.

Conditions:
Inborn genetic diseases. Identifiers: MedGen C0950123, MeSH D030342.
Early-infantile DEE. Also called: Ohtahara syndrome; Early infantile epileptic encephalopathy; Early infantile epileptic encephalopathy with suppression bursts. Identifiers: Orphanet 1934, MedGen C0393706, MONDO:0800491.

Allele frequency attached by ClinVar (database versions not stated): gnomAD 0.00003 and 0.00004; TOPMed 0.00003; ESP Exome Variant Server 0.00008.
gnomAD v4.1: 5 of 1,614,018 alleles (0.00031%); highest among the groups gnomAD compares: African/African-American, 0.0053%; no homozygotes.

Submissions (2):

Ambry Genetics
Classification: Uncertain significance for Inborn genetic diseases. Last evaluated: 2023-02-06. Review status: criteria provided, single submitter. Criteria: Ambry Variant Classification Scheme 2023. Collection method: clinical testing. Allele origin: germline.

Labcorp Genetics (formerly Invitae), Labcorp
Classification: Uncertain significance for Early-infantile DEE. Last evaluated: 2021-05-04. Review status: criteria provided, single submitter. Criteria: Invitae Variant Classification Sherloc (09022015). Collection method: clinical testing. Allele origin: germline.
Comment: This sequence change replaces valine with methionine at codon 294 of the KCNH5 protein (p.Val294Met). The valine residue is highly conserved and there is a small physicochemical difference between valine and methionine. In summary, the available evidence is currently insufficient to determine the role of this variant in disease. Therefore, it has been classified as a Variant of Uncertain Significance. Algorithms developed to predict the effect of missense changes on protein structure and function are either unavailable or do not agree on the potential impact of this missense change (SIFT: "Deleterious"; PolyPhen-2: "Probably Damaging"; Align-GVGD: "Class C0"). This variant has not been reported in the literature in individuals with KCNH5-related conditions. This variant is present in population databases (rs376026108, ExAC 0.01%).